The following is an entry in ClinVar:

ClinVar aggregate classification (germline): Uncertain significance (1 of 4 stars; one submission).

Submission:

GeneDx
Classification: Uncertain significance. Last evaluated: 2024-05-20. Review status: criteria provided, single submitter. Criteria: GeneDx Variant Classification Process June 2021. Collection method: clinical testing. Allele origin: germline. Affected: yes.
Comment: Not observed at significant frequency in large population cohorts (gnomAD); In silico analysis supports that this missense variant has a deleterious effect on protein structure/function; Has not been previously published as pathogenic or benign to our knowledge; In silico analysis suggests this variant may impact gene splicing. In the absence of RNA/functional studies, the actual effect of this sequence change is unknown.

NM_020987.5(ANK3):c.2015C>G (p.Ala672Gly)

Gene: ANK3 (ankyrin 3; minus strand). Cytogenetic location: 10q21.2.
Variant type: single nucleotide variant.
Coding change: c.2015C>G on transcript NM_020987.5 (MANE Select); coding-DNA position 2015, C replaced by G.
Protein change: p.Ala672Gly; replaces alanine 672 with glycine.
Molecular consequence: missense variant.
Genome position (GRCh38, 1-based): chr10:60,186,785, G>C on the plus strand (C>G on the coding strand, the complement: ANK3 is on the minus strand). VCF-style: chr10-60186785-G-C. GRCh37 (hg19) VCF-style: chr10-61946543-G-C.
Other names: c.1997C>G, p.Ala666Gly (NM_001204403.2); c.1964C>G, p.Ala655Gly (NM_001204404.2); c.2015C>G, p.Ala672Gly (NM_001320874.2); short protein forms A655G, A666G, A672G.
Identifiers: ClinVar variation 3381610 (VCV003381610.1).